The following is an entry in ClinVar:

NM_014915.3(ANKRD26):c.333C>G (p.Asn111Lys)

Gene: ANKRD26 (ankyrin repeat domain containing 26; minus strand). Cytogenetic location: 10p12.1.
Variant type: single nucleotide variant.
Coding change: c.333C>G on transcript NM_014915.3 (MANE Select); coding-DNA position 333, C replaced by G.
Protein change: p.Asn111Lys; replaces asparagine 111 with lysine.
Molecular consequence: missense variant.
Genome position (GRCh38, 1-based): chr10:27,093,709, G>C on the plus strand (C>G on the coding strand, the complement: ANKRD26 is on the minus strand). VCF-style: chr10-27093709-G-C. GRCh37 (hg19) VCF-style: chr10-27382638-G-C.
Other names: c.333C>G, p.Asn111Lys (NM_001256053.2); short protein forms N111K.
Identifiers: ClinVar variation 3869372 (VCV003869372.1).

ClinVar aggregate classification (germline): Uncertain significance (1 of 4 stars; one submission).

Conditions:
Inborn genetic diseases. Identifiers: MedGen C0950123, MeSH D030342.

gnomAD v4.1: 2 of 1,614,138 alleles (0.00012%); highest among the groups gnomAD compares: South Asian, 0.0011%; no homozygotes.

Submission:

Ambry Genetics
Classification: Uncertain significance for Inborn genetic diseases. Last evaluated: 2024-12-19. Review status: criteria provided, single submitter. Criteria: Ambry Variant Classification Scheme 2023. Collection method: clinical testing. Allele origin: germline.
Comment: The p.N111K variant (also known as c.333C>G), located in coding exon 2 of the ANKRD26 gene, results from a C to G substitution at nucleotide position 333. The asparagine at codon 111 is replaced by lysine, an amino acid with similar properties. This amino acid position is conserved. In addition, this alteration is predicted to be tolerated by in silico analysis. Based on the available evidence, the clinical significance of this variant remains unclear.